The following is an entry in ClinVar:

NM_001394062.1(MACF1):c.19575T>G (p.His6525Gln)

Gene: MACF1 (microtubule actin crosslinking factor 1; plus strand). Cytogenetic location: 1p34.3.
Variant type: single nucleotide variant.
Coding change: c.19575T>G on transcript NM_001394062.1 (MANE Select); coding-DNA position 19575, T replaced by G.
Protein change: p.His6525Gln; replaces histidine 6525 with glutamine.
Molecular consequence: missense variant.
Genome position (GRCh38, 1-based): chr1:39,444,805, T>G. VCF-style: chr1-39444805-T-G. GRCh37 (hg19) VCF-style: chr1-39910477-T-G.
Other names: c.13398T>G (NM_012090.4); c.7653T>G, p.His2551Gln (NM_001397473.1); c.13398T>G, p.His4466Gln (NM_012090.5); short protein forms H6525Q, H2551Q, H4466Q.
Identifiers: ClinVar variation 2715339 (VCV002715339.8), dbSNP rs143526587, ClinGen allele CA784168.

ClinVar aggregate classification (germline): Benign/Likely benign. Review status: criteria provided, multiple submitters, no conflicts (2 of 4 stars). 4 submissions from 4 submitters: Benign (1); Likely benign (2). 1 of the submissions does not count toward it. Last evaluated 2025-02-20.

Conditions:
MACF1-related disorder. Also called: MACF1-related condition.
Inborn genetic diseases. Identifiers: MedGen C0950123, MeSH D030342.

Allele frequency attached by ClinVar (database versions not stated): ExAC 0.00036; 1000 Genomes Project 30x 0.00125; 1000 Genomes Project 0.00140; ESP Exome Variant Server 0.00185.
gnomAD v4.1: 276 of 1,612,854 alleles (0.017%); highest among the groups gnomAD compares: African/African-American, 0.33%; 1 homozygote.

Submissions (5):

Ambry Genetics
Classification: Likely benign for Inborn genetic diseases. Last evaluated: 2025-02-20. Review status: criteria provided, single submitter. Criteria: Ambry Variant Classification Scheme 2023. Collection method: clinical testing. Allele origin: germline.

Labcorp Genetics (formerly Invitae), Labcorp
Classification: Benign. Last evaluated: 2024-12-07. Review status: criteria provided, single submitter. Criteria: Invitae Variant Classification Sherloc (09022015). Collection method: clinical testing. Allele origin: germline.

Blueprint Genetics
Classification: Likely benign. Last evaluated: 2024-11-12. Review status: criteria provided, single submitter. Criteria: ACMG Guidelines, 2015. Collection method: clinical testing. Allele origin: germline.

PreventionGenetics, part of Exact Sciences
Classification: Likely benign for MACF1-related condition. Last evaluated: 2022-04-11. Review status: no assertion criteria provided. Collection method: clinical testing. Allele origin: germline. Not counted in ClinVar's aggregate classification.
Comment: This variant is classified as likely benign based on ACMG/AMP sequence variant interpretation guidelines (Richards et al. 2015 PMID: 25741868, with internal and published modifications).

Dr. Peter K. Rogan Lab, Western University
No classification provided (evidence only). Condition: Familial cancer of breast. Review status: no classification provided. Collection method: in vitro. Allele origin: not applicable. Functional consequence: retained intron. Not counted in ClinVar's aggregate classification.